The following is an entry in ClinVar:

NM_001258392.3(CLPB):c.988G>A (p.Ala330Thr)

Gene: CLPB (ClpB family mitochondrial disaggregase; minus strand). Cytogenetic location: 11q13.4.
Variant type: single nucleotide variant.
Coding change: c.988G>A on transcript NM_001258392.3 (MANE Select); coding-DNA position 988, G replaced by A.
Protein change: p.Ala330Thr; replaces alanine 330 with threonine.
Molecular consequence: missense variant.
Genome position (GRCh38, 1-based): chr11:72,317,106, C>T on the plus strand (G>A on the coding strand, the complement: CLPB is on the minus strand). VCF-style: chr11-72317106-C-T. GRCh37 (hg19) VCF-style: chr11-72028150-C-T.
Other names: c.901G>A, p.Ala301Thr (NM_001258393.3); c.943G>A, p.Ala315Thr (NM_001258394.3); c.1078G>A, p.Ala360Thr (NM_030813.6); short protein forms A315T, A330T, A360T, A301T.
Identifiers: ClinVar variation 1420484 (VCV001420484.6), dbSNP rs2135527446, ClinGen allele CA381737983.

ClinVar aggregate classification (germline): Uncertain significance (1 of 4 stars; one submission).

Conditions:
3-methylglutaconic aciduria, type VIIB (MGCA7B). Also called: 3-methylglutaconic aciduria with cataracts, neurologic involvement and neutropenia; 3-methylglutaconic aciduria, type VII, with cataracts, neurologic involvement and neutropenia; CLPB Deficiency. Identifiers: Orphanet 445038, MedGen C5676893, MONDO:0014561, OMIM 616271.

Allele frequency attached by ClinVar (database versions not stated): gnomAD exomes below 0.00001.
gnomAD v4.1: 1 of 1,607,296 alleles (0.000062%); highest among the groups gnomAD compares: Non-Finnish European, 0.000085%; no homozygotes.

Submission:

Labcorp Genetics (formerly Invitae), Labcorp
Classification: Uncertain significance for 3-methylglutaconic aciduria, type VIIB. Last evaluated: 2023-10-13. Review status: criteria provided, single submitter. Criteria: Invitae Variant Classification Sherloc (09022015). Collection method: clinical testing. Allele origin: germline.
Comment: This sequence change replaces alanine, which is neutral and non-polar, with threonine, which is neutral and polar, at codon 360 of the CLPB protein (p.Ala360Thr). This variant also falls at the last nucleotide of exon 8, which is part of the consensus splice site for this exon. This variant is not present in population databases (gnomAD no frequency). This variant has not been reported in the literature in individuals affected with CLPB-related conditions. ClinVar contains an entry for this variant (Variation ID: 1420484). An algorithm developed to predict the effect of missense changes on protein structure and function (PolyPhen-2) suggests that this variant is likely to be disruptive. Variants that disrupt the consensus splice site are a relatively common cause of aberrant splicing (PMID: 17576681, 9536098). Algorithms developed to predict the effect of sequence changes on RNA splicing suggest that this variant may disrupt the consensus splice site. In summary, the available evidence is currently insufficient to determine the role of this variant in disease. Therefore, it has been classified as a Variant of Uncertain Significance.

Literature cited by the submitters: PubMed 17576681; PubMed 9536098.